The following is an entry in ClinVar:

ClinVar aggregate classification (germline): Likely benign (1 of 4 stars; one submission).

Allele frequency attached by ClinVar (database versions not stated): 1000 Genomes Project 30x 0.00187; ExAC 0.00016; gnomAD exomes 0.00042; gnomAD 0.00150 and 0.00156; TOPMed 0.00150; 1000 Genomes Project 0.00160.

Submission:

CeGaT Center for Human Genetics Tuebingen
Classification: Likely benign. Last evaluated: 2022-05-01. Review status: criteria provided, single submitter. Criteria: CeGaT Center For Human Genetics Tuebingen Variant Classification Criteria Version 2. Collection method: clinical testing. Allele origin: germline. Affected: yes. Observed: 2 variant alleles.
Comment: C4orf54: BP4, BP7

NM_001354435.2(C4orf54):c.2856C>G (p.Ala952=)

Gene: C4orf54 (chromosome 4 open reading frame 54; minus strand). Cytogenetic location: 4q23.
Variant type: single nucleotide variant.
Coding change: c.2856C>G on transcript NM_001354435.2 (MANE Select); coding-DNA position 2856, C replaced by G.
Protein change: p.Ala952=; no amino-acid change (alanine 952 retained).
Molecular consequence: synonymous variant.
Genome position (GRCh38, 1-based): chr4:99,651,793, G>C on the plus strand (C>G on the coding strand, the complement: C4orf54 is on the minus strand). VCF-style: chr4-99651793-G-C. GRCh37 (hg19) VCF-style: chr4-100572950-G-C.
Identifiers: ClinVar variation 1695099 (VCV001695099.31), dbSNP rs541484773, ClinGen allele CA3022600.